The following is an entry in ClinVar:

NM_000216.4(ANOS1):c.1062+5G>A

Gene: ANOS1 (anosmin 1; minus strand). Cytogenetic location: Xp22.31.
Variant type: single nucleotide variant.
Coding change: c.1062+5G>A on transcript NM_000216.4 (MANE Select); 5 bases into the intron after coding-DNA position 1062, G replaced by A.
Molecular consequence: intron variant.
Genome position (GRCh38, 1-based): chrX:8,570,494, C>T on the plus strand (G>A on the coding strand, the complement: ANOS1 is on the minus strand). VCF-style: chrX-8570494-C-T. GRCh37 (hg19) VCF-style: chrX-8538535-C-T.
Identifiers: ClinVar variation 1204552 (VCV001204552.8), dbSNP rs2146807050, ClinGen allele CA2499226894.

ClinVar aggregate classification (germline): Conflicting classifications of pathogenicity. Review status: criteria provided, conflicting classifications (1 of 4 stars). 2 submissions from 2 submitters: Likely pathogenic (1); Uncertain significance (1). Last evaluated 2025-10-01.

Conditions:
Hypogonadotropic hypogonadism 1 with or without anosmia (HH1). Also called: Kallmann syndrome, type 1, X-linked; DYSPLASIA OLFACTOGENITALIS OF DE MORSIER; HYPOGONADOTROPIC HYPOGONADISM AND ANOSMIA; HYPOGONADOTROPIC HYPOGONADISM 1 WITH ANOSMIA; Hypogonadotropic hypogonadism 1 with or without anosmia (Kallmann syndrome 1); KAL1-Related GnRH Deficiency (Kallmann Syndrome 1; Kallmann Syndrome, X-Linked). Identifiers: Orphanet 478, MedGen C1563719, MONDO:0010635, OMIM 308700. Disease mechanism: loss of function.

Submissions (2):

GeneDx
Classification: Likely pathogenic. Last evaluated: 2025-10-01. Review status: criteria provided, single submitter. Criteria: GeneDx Variant Classification Process June 2021. Collection method: clinical testing. Allele origin: germline. Affected: yes.
Comment: Intronic variant directly or indirectly altering the +5 splice site in a gene for which loss of function is a known mechanism of disease, and splice predictors support a deleterious effect; Not observed at significant frequency in large population cohorts (gnomAD); This variant is associated with the following publications: (PMID: 22035731)

Labcorp Genetics (formerly Invitae), Labcorp
Classification: Uncertain significance for Hypogonadotropic hypogonadism 1 with or without anosmia. Last evaluated: 2023-01-19. Review status: criteria provided, single submitter. Criteria: Invitae Variant Classification Sherloc (09022015). Collection method: clinical testing. Allele origin: germline.
Comment: In summary, the available evidence is currently insufficient to determine the role of this variant in disease. Therefore, it has been classified as a Variant of Uncertain Significance. Variants that disrupt the consensus splice site are a relatively common cause of aberrant splicing (PMID: 17576681, 9536098). Algorithms developed to predict the effect of sequence changes on RNA splicing suggest that this variant may disrupt the consensus splice site. ClinVar contains an entry for this variant (Variation ID: 1204552). This variant is also known as IVS7+5G>A. This variant has been observed in individuals with Kallman syndrome (PMID: 22035731; Invitae). This variant is not present in population databases (gnomAD no frequency). This sequence change falls in intron 7 of the ANOS1 gene. It does not directly change the encoded amino acid sequence of the ANOS1 protein. It affects a nucleotide within the consensus splice site.

Literature cited by the submitters: PubMed 17576681 (cited by Labcorp Genetics (formerly Invitae), Labcorp); PubMed 9536098 (cited by Labcorp Genetics (formerly Invitae), Labcorp); PubMed 22035731 (cited by Labcorp Genetics (formerly Invitae), Labcorp).